The following is an entry in ClinVar:

ClinVar aggregate classification (germline): Benign/Likely benign. Review status: criteria provided, multiple submitters, no conflicts (2 of 4 stars). 4 submissions from 4 submitters: Benign (3); Likely benign (1). Last evaluated 2024-10-11.

Conditions:
Short stature-pituitary and cerebellar defects-small sella turcica syndrome (CPHD4). Also called: Pituitary hormone deficiency, combined with or without cerebellar defects; Short stature, pituitary and cerebellar defects and small sella turcica. Identifiers: Orphanet 85442, MedGen C2678408, MONDO:0009880, OMIM 262700.

Allele frequency attached by ClinVar (database versions not stated): gnomAD exomes 0.00005 and 0.00030; gnomAD 0.00006 and 0.00010; TOPMed 0.00016; ExAC 0.00028; 1000 Genomes Project 0.00100; 1000 Genomes Project 30x 0.00125.
gnomAD v4.1: 118 of 1,573,020 alleles (0.0075%); highest among the groups gnomAD compares: East Asian, 0.18%; no homozygotes.

Submissions (4):

Blueprint Genetics
Classification: Likely benign. Last evaluated: 2024-10-11. Review status: criteria provided, single submitter. Criteria: ACMG Guidelines, 2015. Collection method: clinical testing. Allele origin: germline.

Mendelics
Classification: Benign. Last evaluated: 2022-05-04. Review status: criteria provided, single submitter. Criteria: Mendelics Assertion Criteria 2019. Collection method: clinical testing. Allele origin: germline.

Labcorp Genetics (formerly Invitae), Labcorp
Classification: Benign. Last evaluated: 2020-10-19. Review status: criteria provided, single submitter. Criteria: Invitae Variant Classification Sherloc (09022015). Collection method: clinical testing. Allele origin: germline.

Illumina Laboratory Services, Illumina
Classification: Benign for Short stature-pituitary and cerebellar defects-small sella turcica syndrome. Last evaluated: 2017-04-28. Review status: criteria provided, single submitter. Criteria: ICSL Variant Classification Criteria 13 December 2019. Collection method: clinical testing. Allele origin: germline.
Comment: This variant was observed as part of a predisposition screen in an ostensibly healthy population. A literature search was performed for the gene, cDNA change, and amino acid change (where applicable). Publications were found based on this search. The evidence from the literature, in combination with allele frequency data from public databases where available, was sufficient to rule this variant out of causing disease. Therefore, this variant is classified as benign.

Literature cited by the submitters: PubMed 17527005 (cited by Illumina Laboratory Services, Illumina); PubMed 25910213 (cited by Illumina Laboratory Services, Illumina); PubMed 23990694 (cited by Illumina Laboratory Services, Illumina).

NM_033343.4(LHX4):c.1165C>A (p.Pro389Thr)

Genes: ACBD6 (acyl-CoA binding domain containing 6; minus strand), LHX4 (LIM homeobox 4; plus strand), LHX4-AS1 (LHX4 antisense RNA 1; minus strand). Cytogenetic location: 1q25.2.
Variant type: single nucleotide variant.
Coding change: c.1165C>A on transcript NM_033343.4 (MANE Select); coding-DNA position 1165, C replaced by A.
Protein change: p.Pro389Thr; replaces proline 389 with threonine.
Molecular consequence: missense variant.
Genome position (GRCh38, 1-based): chr1:180,274,571, C>A. VCF-style: chr1-180274571-C-A. GRCh37 (hg19) VCF-style: chr1-180243706-C-A.
Other names: short protein forms P389T.
Identifiers: ClinVar variation 874816 (VCV000874816.9), dbSNP rs145433128, ClinGen allele CA1272101.
Genomic context (GRCh38, chr1:180,274,571, plus strand): 5'-GTAGGCTATCCCGACTTTCCAACTAGCCCAGGCTCTTGGCTCGATGAAATGGATCATCCT[C>A]CTTTTTAAACTTCTCTCCTCCCCACCCTACCTGCCCCCCTGGCTTGAGAGAATATCTTCA-3'
Protein context (NP_203129.1, residues 379-390): GSWLDEMDHP[Pro389Thr]F